The following is an entry in ClinVar:

ClinVar aggregate classification (germline): Uncertain significance (1 of 4 stars; one submission).

Conditions:
Primary dilated cardiomyopathy (DCM). Also called: Dilated Cardiomyopathy. Identifiers: Orphanet 217604, MedGen C0007193, MeSH D002311, MONDO:0005021, HP:0001644. Inheritance: Various modes of inheritance.
Hypertrophic cardiomyopathy. Also called: HYPERTROPHIC MYOCARDIOPATHY. Identifiers: Orphanet 217569, MedGen C0007194, MeSH D002312, MONDO:0005045, HP:0001639.

Allele frequency attached by ClinVar (database versions not stated): ExAC 0.00002.
gnomAD v4.1: 1 of 1,608,866 alleles (0.000062%); highest among the groups gnomAD compares: Non-Finnish European, 0.000085%; no homozygotes.

Submission:

Labcorp Genetics (formerly Invitae), Labcorp
Classification: Uncertain significance for Hypertrophic cardiomyopathy; Primary dilated cardiomyopathy. Last evaluated: 2023-11-03. Review status: criteria provided, single submitter. Criteria: Invitae Variant Classification Sherloc (09022015). Collection method: clinical testing. Allele origin: germline.
Comment: This sequence change creates a premature translational stop signal (p.Gln25*) in the PDLIM3 gene. It is expected to result in an absent or disrupted protein product. However, the current clinical and genetic evidence is not sufficient to establish whether loss-of-function variants in PDLIM3 cause disease. The frequency data for this variant in the population databases is considered unreliable, as metrics indicate poor data quality at this position in the gnomAD database. This variant has not been reported in the literature in individuals affected with PDLIM3-related conditions. ClinVar contains an entry for this variant (Variation ID: 1946071). Algorithms developed to predict the effect of sequence changes on RNA splicing suggest that this variant may disrupt the consensus splice site. In summary, the available evidence is currently insufficient to determine the role of this variant in disease. Therefore, it has been classified as a Variant of Uncertain Significance.

NM_014476.6(PDLIM3):c.73C>T (p.Gln25Ter)

Gene: PDLIM3 (PDZ and LIM domain 3; minus strand). Cytogenetic location: 4q35.1.
Variant type: single nucleotide variant.
Coding change: c.73C>T on transcript NM_014476.6 (MANE Select); coding-DNA position 73, C replaced by T.
Protein change: p.Gln25Ter; replaces glutamine 25 with a stop codon.
Molecular consequence: nonsense. On other transcripts: non-coding transcript variant (1).
Genome position (GRCh38, 1-based): chr4:185,535,362, G>A on the plus strand (C>T on the coding strand, the complement: PDLIM3 is on the minus strand). VCF-style: chr4-185535362-G-A. GRCh37 (hg19) VCF-style: chr4-186456516-G-A.
Other names: c.73C>T, p.Gln25Ter (NM_001114107.5, NM_001257962.2, NM_001257963.2); short protein forms Q25*.
Identifiers: ClinVar variation 1946071 (VCV001946071.5), dbSNP rs781486882, ClinGen allele CA3159920.